The following is an entry in ClinVar:

NM_005188.4(CBL):c.1801T>C (p.Ser601Pro)

Gene: CBL (Cbl proto-oncogene; plus strand). Cytogenetic location: 11q23.3.
Variant type: single nucleotide variant.
Coding change: c.1801T>C on transcript NM_005188.4 (MANE Select); coding-DNA position 1801, T replaced by C.
Protein change: p.Ser601Pro; replaces serine 601 with proline.
Molecular consequence: missense variant.
Genome position (GRCh38, 1-based): chr11:119,285,426, T>C. VCF-style: chr11-119285426-T-C. GRCh37 (hg19) VCF-style: chr11-119156136-T-C.
Other names: short protein forms S601P.
Identifiers: ClinVar variation 844194 (VCV000844194.12), dbSNP rs1271364778, ClinGen allele CA382920451.

ClinVar aggregate classification (germline): Uncertain significance. Review status: criteria provided, multiple submitters, no conflicts (2 of 4 stars). 3 submissions from 3 submitters: Uncertain significance (3). Last evaluated 2026-01-14.

Conditions:
Cardiovascular phenotype. Identifiers: MedGen CN230736.
RASopathy. Also called: rasopathies; Noonan spectrum disorder. Identifiers: Orphanet 536391, MedGen C5555857, MONDO:0021060.

gnomAD v4.1: 1 of 1,614,168 alleles (0.000062%); highest among the groups gnomAD compares: Admixed American, 0.0017%; no homozygotes.

Submissions (3):

Labcorp Genetics (formerly Invitae), Labcorp
Classification: Uncertain significance for RASopathy. Last evaluated: 2026-01-14. Review status: criteria provided, single submitter. Criteria: Invitae Variant Classification Sherloc (09022015). Collection method: clinical testing. Allele origin: germline.
Comment: This sequence change replaces serine, which is neutral and polar, with proline, which is neutral and non-polar, at codon 601 of the CBL protein (p.Ser601Pro). This variant is not present in population databases (gnomAD no frequency). This variant has not been reported in the literature in individuals affected with CBL-related conditions. ClinVar contains an entry for this variant (Variation ID: 844194). Invitae Evidence Modeling of protein sequence and biophysical properties (such as structural, functional, and spatial information, amino acid conservation, physicochemical variation, residue mobility, and thermodynamic stability) indicates that this missense variant is not expected to disrupt CBL protein function with a negative predictive value of 95%. In summary, the available evidence is currently insufficient to determine the role of this variant in disease. Therefore, it has been classified as a Variant of Uncertain Significance.

Ambry Genetics
Classification: Uncertain significance for Cardiovascular phenotype. Last evaluated: 2025-03-16. Review status: criteria provided, single submitter. Criteria: Ambry Variant Classification Scheme 2023. Collection method: clinical testing. Allele origin: germline.
Comment: The p.S601P variant (also known as c.1801T>C), located in coding exon 11 of the CBL gene, results from a T to C substitution at nucleotide position 1801. The serine at codon 601 is replaced by proline, an amino acid with similar properties. This amino acid position is conserved. In addition, this alteration is predicted to be tolerated by in silico analysis. Based on the available evidence, the clinical significance of this variant remains unclear.

GeneDx
Classification: Uncertain significance. Last evaluated: 2019-05-02. Review status: criteria provided, single submitter. Criteria: GeneDx Variant Classification Process June 2021. Collection method: clinical testing. Allele origin: germline. Affected: yes.
Comment: Not observed in large population cohorts (Lek et al., 2016); In silico analysis, which includes protein predictors and evolutionary conservation, supports that this variant does not alter protein structure/function; Has not been previously published as pathogenic or benign to our knowledge